The following is an entry in ClinVar:

NM_152743.4(BRAT1):c.1414C>T (p.Gln472Ter)

Gene: BRAT1 (BRCA1 associated ATM activator 1; minus strand). Cytogenetic location: 7p22.3.
Variant type: single nucleotide variant.
Coding change: c.1414C>T on transcript NM_152743.4 (MANE Select); coding-DNA position 1414, C replaced by T.
Protein change: p.Gln472Ter; replaces glutamine 472 with a stop codon.
Molecular consequence: nonsense. On other transcripts: non-coding transcript variant (1).
Genome position (GRCh38, 1-based): chr7:2,539,870, G>A on the plus strand (C>T on the coding strand, the complement: BRAT1 is on the minus strand). VCF-style: chr7-2539870-G-A. GRCh37 (hg19) VCF-style: chr7-2579504-G-A.
Other names: c.1414C>T, p.Gln472Ter (NM_001350626.2); c.889C>T, p.Gln297Ter (NM_001350627.2); short protein forms Q297*, Q472*.
Identifiers: ClinVar variation 2131739 (VCV002131739.4), dbSNP rs2534319250, ClinGen allele CA366628382.

ClinVar aggregate classification (germline): Pathogenic (1 of 4 stars; one submission).

Conditions:
Neonatal-onset encephalopathy with rigidity and seizures. Also called: Lethal neonatal spasticity-epileptic encephalopathy syndrome. Identifiers: Orphanet 435845, MedGen C3281029, MONDO:0013784, OMIM 614498.

Submission:

Labcorp Genetics (formerly Invitae), Labcorp
Classification: Pathogenic for Neonatal-onset encephalopathy with rigidity and seizures. Last evaluated: 2022-04-29. Review status: criteria provided, single submitter. Criteria: Invitae Variant Classification Sherloc (09022015). Collection method: clinical testing. Allele origin: germline.
Comment: This variant has not been reported in the literature in individuals affected with BRAT1-related conditions. This variant is not present in population databases (gnomAD no frequency). This sequence change creates a premature translational stop signal (p.Gln472*) in the BRAT1 gene. It is expected to result in an absent or disrupted protein product. Loss-of-function variants in BRAT1 are known to be pathogenic (PMID: 22279524, 25500575). For these reasons, this variant has been classified as Pathogenic.

Literature cited by the submitters: PubMed 22279524; PubMed 25500575.